The following is an entry in ClinVar:

NM_014363.6(SACS):c.8395G>C (p.Val2799Leu)

Gene: SACS (sacsin molecular chaperone; minus strand). Cytogenetic location: 13q12.12.
Variant type: single nucleotide variant.
Coding change: c.8395G>C on transcript NM_014363.6 (MANE Select); coding-DNA position 8395, G replaced by C.
Protein change: p.Val2799Leu; replaces valine 2799 with leucine.
Molecular consequence: missense variant.
Genome position (GRCh38, 1-based): chr13:23,335,481, C>G on the plus strand (G>C on the coding strand, the complement: SACS is on the minus strand). VCF-style: chr13-23335481-C-G. GRCh37 (hg19) VCF-style: chr13-23909620-C-G.
Other names: c.7954G>C, p.Val2652Leu (NM_001278055.2); short protein forms V2652L, V2799L.
Identifiers: ClinVar variation 1976724 (VCV001976724.5), dbSNP rs376801900, ClinGen allele CA6910766.
Genomic context (GRCh38, chr13:23,335,481, plus strand): 5'-GCCACGTAGTAAGATTTCCTTCAGAGTCCTCAGTATCCATAGTATAGGTTATTTGTTGAA[C>G]TGGTATGTCTTTGAGCTGCCTCTTTTTAGTAACACTATCAATTACAGATGCATGAAATTG-3'
Protein context (NP_055178.3, residues 2789-2809): TKKRQLKDIP[Val2799Leu]QQITYTMDTE

ClinVar aggregate classification (germline): Uncertain significance (1 of 4 stars; one submission).

Conditions:
Spastic paraplegia. Identifiers: MedGen C0037772, HP:0001258.

Allele frequency attached by ClinVar (database versions not stated): ExAC 0.00001; ESP Exome Variant Server 0.00008.

Submission:

Labcorp Genetics (formerly Invitae), Labcorp
Classification: Uncertain significance for Spastic paraplegia. Last evaluated: 2025-07-15. Review status: criteria provided, single submitter. Criteria: Invitae Variant Classification Sherloc (09022015). Collection method: clinical testing. Allele origin: germline.
Comment: This sequence change replaces valine, which is neutral and non-polar, with leucine, which is neutral and non-polar, at codon 2799 of the SACS protein (p.Val2799Leu). This variant is not present in population databases (gnomAD no frequency). This variant has not been reported in the literature in individuals affected with SACS-related conditions. ClinVar contains an entry for this variant (Variation ID: 1976724). Invitae Evidence Modeling of protein sequence and biophysical properties (such as structural, functional, and spatial information, amino acid conservation, physicochemical variation, residue mobility, and thermodynamic stability) indicates that this missense variant is not expected to disrupt SACS protein function with a negative predictive value of 95%. In summary, the available evidence is currently insufficient to determine the role of this variant in disease. Therefore, it has been classified as a Variant of Uncertain Significance.